The following is an entry in ClinVar:

ClinVar aggregate classification (germline): Uncertain significance. Review status: criteria provided, multiple submitters, no conflicts (2 of 4 stars). 2 submissions from 2 submitters: Uncertain significance (2). Last evaluated 2025-04-15.

Conditions:
Inborn genetic diseases. Identifiers: MedGen C0950123, MeSH D030342.
Familial cold autoinflammatory syndrome 2 (FCAS2). Identifiers: Orphanet 247868, MedGen C2673198, MONDO:0012724, OMIM 611762.

gnomAD v4.1: 1 of 1,614,024 alleles (0.000062%); highest among the groups gnomAD compares: Non-Finnish European, 0.000085%; no homozygotes.

Submissions (2):

Labcorp Genetics (formerly Invitae), Labcorp
Classification: Uncertain significance for Familial cold autoinflammatory syndrome 2. Last evaluated: 2025-04-15. Review status: criteria provided, single submitter. Criteria: Invitae Variant Classification Sherloc (09022015). Collection method: clinical testing. Allele origin: germline.
Comment: This sequence change replaces phenylalanine, which is neutral and non-polar, with leucine, which is neutral and non-polar, at codon 64 of the NLRP12 protein (p.Phe64Leu). This variant is present in population databases (no rsID available, gnomAD 0.007%). This variant has not been reported in the literature in individuals affected with NLRP12-related conditions. ClinVar contains an entry for this variant (Variation ID: 2609194). Invitae Evidence Modeling of protein sequence and biophysical properties (such as structural, functional, and spatial information, amino acid conservation, physicochemical variation, residue mobility, and thermodynamic stability) indicates that this missense variant is not expected to disrupt NLRP12 protein function with a negative predictive value of 80%. In summary, the available evidence is currently insufficient to determine the role of this variant in disease. Therefore, it has been classified as a Variant of Uncertain Significance.

Ambry Genetics
Classification: Uncertain significance for Inborn genetic diseases. Last evaluated: 2023-06-30. Review status: criteria provided, single submitter. Criteria: Ambry Variant Classification Scheme 2023. Collection method: clinical testing. Allele origin: germline.

NM_144687.4(NLRP12):c.192C>G (p.Phe64Leu)

Gene: NLRP12 (NLR family pyrin domain containing 12; minus strand). Cytogenetic location: 19q13.42.
Variant type: single nucleotide variant.
Coding change: c.192C>G on transcript NM_144687.4 (MANE Select); coding-DNA position 192, C replaced by G.
Protein change: p.Phe64Leu; replaces phenylalanine 64 with leucine.
Molecular consequence: missense variant.
Genome position (GRCh38, 1-based): chr19:53,823,983, G>C on the plus strand (C>G on the coding strand, the complement: NLRP12 is on the minus strand). VCF-style: chr19-53823983-G-C. GRCh37 (hg19) VCF-style: chr19-54327237-G-C.
Other names: c.192C>G, p.Phe64Leu (NM_001277126.2, NM_001277129.1); short protein forms F64L.
Identifiers: ClinVar variation 2609194 (VCV002609194.3), dbSNP rs145729590, ClinGen allele CA407419135.